The following is an entry in ClinVar:

NM_000388.4(CASR):c.2671C>T (p.Arg891Cys)

Gene: CASR (calcium sensing receptor; plus strand). Cytogenetic location: 3q21.1.
Variant type: single nucleotide variant.
Coding change: c.2671C>T on transcript NM_000388.4 (MANE Select); coding-DNA position 2671, C replaced by T.
Protein change: p.Arg891Cys; replaces arginine 891 with cysteine.
Molecular consequence: missense variant.
Genome position (GRCh38, 1-based): chr3:122,284,625, C>T. VCF-style: chr3-122284625-C-T. GRCh37 (hg19) VCF-style: chr3-122003472-C-T.
Other names: c.2701C>T, p.Arg901Cys (NM_001178065.2); short protein forms R891C, R901C.
Identifiers: ClinVar variation 835284 (VCV000835284.13), dbSNP rs1360294910, ClinGen allele CA354160525.

ClinVar aggregate classification (germline): Uncertain significance. Review status: criteria provided, multiple submitters, no conflicts (2 of 4 stars). 3 submissions from 3 submitters: Uncertain significance (3). Last evaluated 2023-05-08.

Conditions:
Autosomal dominant hypocalcemia 1 (HYPOC1). Also called: HYPOCALCEMIA, FAMILIAL. Identifiers: MedGen C3715128, MONDO:0011013, OMIM 601198.
Familial hypocalciuric hypercalcemia (FHH). Also called: Familial benign hypercalcemia. Identifiers: Orphanet 405, MedGen C1809471, MONDO:0018458.

Allele frequency attached by ClinVar (database versions not stated): TOPMed below 0.00001.
gnomAD v4.1: 1 of 1,614,026 alleles (0.000062%); highest among the groups gnomAD compares: Non-Finnish European, 0.000085%; no homozygotes.

Submissions (3):

Labcorp Genetics (formerly Invitae), Labcorp
Classification: Uncertain significance for Familial hypocalciuric hypercalcemia; Autosomal dominant hypocalcemia 1. Last evaluated: 2023-05-08. Review status: criteria provided, single submitter. Criteria: Invitae Variant Classification Sherloc (09022015). Collection method: clinical testing. Allele origin: germline.
Comment: In summary, the available evidence is currently insufficient to determine the role of this variant in disease. Therefore, it has been classified as a Variant of Uncertain Significance. An algorithm developed to predict the effect of missense changes on protein structure and function (PolyPhen-2) suggests that this variant is likely to be disruptive. ClinVar contains an entry for this variant (Variation ID: 835284). This variant has not been reported in the literature in individuals affected with CASR-related conditions. This variant is not present in population databases (gnomAD no frequency). This sequence change replaces arginine, which is basic and polar, with cysteine, which is neutral and slightly polar, at codon 891 of the CASR protein (p.Arg891Cys).

MGZ Medical Genetics Center
Classification: Uncertain significance for Autosomal dominant hypocalcemia 1. Last evaluated: 2021-08-20. Review status: criteria provided, single submitter. Criteria: ACMG Guidelines, 2015. Collection method: clinical testing. Allele origin: germline. Affected: yes. Observed: 1 variant allele.
Comment: ACMG criteria applied: PS4_SUP, PM1_SUP, PM2_SUP, PP2, PP3

Centre for Mendelian Genomics, University Medical Centre Ljubljana
Classification: Uncertain significance for Autosomal dominant hypocalcemia 1. Last evaluated: 2019-10-23. Review status: criteria provided, single submitter. Criteria: ACMG Guidelines, 2015. Collection method: clinical testing. Allele origin: unknown. Affected: yes.
Comment: This variant was classified as: Uncertain significance. The available evidence on this variant's pathogenicity is insufficient or conflicting. The following ACMG criteria were applied in classifying this variant: PM2,PP3.